The following is an entry in ClinVar:

ClinVar aggregate classification (germline): Pathogenic (1 of 4 stars; one submission).

Conditions:
Nephronophthisis. Also called: Juvenile Nephronophthisis. Identifiers: Orphanet 655, MedGen C0687120, MONDO:0019005, HP:0000090.

Submission:

Labcorp Genetics (formerly Invitae), Labcorp
Classification: Pathogenic for Nephronophthisis. Last evaluated: 2024-05-07. Review status: criteria provided, single submitter. Criteria: Invitae Variant Classification Sherloc (09022015). Collection method: clinical testing. Allele origin: germline.
Comment: This sequence change creates a premature translational stop signal (p.Ser5*) in the NPHP3 gene. It is expected to result in an absent or disrupted protein product. Loss-of-function variants in NPHP3 are known to be pathogenic (PMID: 18371931, 23559409). This variant is not present in population databases (gnomAD no frequency). This variant has not been reported in the literature in individuals affected with NPHP3-related conditions. For these reasons, this variant has been classified as Pathogenic.

Literature cited by the submitters: PubMed 18371931; PubMed 23559409.

NM_153240.5(NPHP3):c.14C>A (p.Ser5Ter)

Genes: NPHP3 (nephrocystin 3; minus strand), NPHP3-ACAD11 (NPHP3-ACAD11 readthrough (NMD candidate); minus strand), NPHP3-AS1 (NPHP3 antisense RNA 1; plus strand). Cytogenetic location: 3q22.1.
Variant type: single nucleotide variant.
Coding change: c.14C>A on transcript NM_153240.5 (MANE Select); coding-DNA position 14, C replaced by A.
Protein change: p.Ser5Ter; replaces serine 5 with a stop codon.
Molecular consequence: nonsense. On other transcripts: non-coding transcript variant (3).
Genome position (GRCh38, 1-based): chr3:132,722,342, G>T on the plus strand (C>A on the coding strand, the complement: NPHP3 is on the minus strand). VCF-style: chr3-132722342-G-T. GRCh37 (hg19) VCF-style: chr3-132441186-G-T.
Other names: short protein forms S5*.
Identifiers: ClinVar variation 3684808 (VCV003684808.2).